The following is an entry in ClinVar:

NM_182931.3(KMT2E):c.1994G>A (p.Arg665His)

Gene: KMT2E (lysine methyltransferase 2E (inactive); plus strand). Cytogenetic location: 7q22.3.
Variant type: single nucleotide variant.
Coding change: c.1994G>A on transcript NM_182931.3 (MANE Select); coding-DNA position 1994, G replaced by A.
Protein change: p.Arg665His; replaces arginine 665 with histidine.
Molecular consequence: missense variant.
Genome position (GRCh38, 1-based): chr7:105,101,992, G>A. VCF-style: chr7-105101992-G-A. GRCh37 (hg19) VCF-style: chr7-104742439-G-A.
Other names: c.1994G>A, p.Arg665His (NM_001410908.1, NM_018682.4); short protein forms R665H.
Identifiers: ClinVar variation 4881295 (VCV004881295.2).

ClinVar aggregate classification (germline): Uncertain significance (1 of 4 stars; one submission).

gnomAD v4.1: 2 of 1,613,896 alleles (0.00012%); highest among the groups gnomAD compares: East Asian, 0.0022%; no homozygotes.

Submission:

Dasa
Classification: Uncertain significance. Last evaluated: 2024-10-07. Review status: criteria provided, single submitter. Criteria: DASA Assertion Criteria. Collection method: clinical testing. Allele origin: germline.
Comment: NM_182931.3(KMT2E):c.1994G>A (p.Arg665His) is a missense variant that results in the substitution of arginine with histidine. This variant is rare in population databases. The currently available literature and clinical evidence are not sufficient to establish a definitive association between this variant and the reported condition. Therefore, this variant is classified as a variant of uncertain significance.